The following is an entry in ClinVar:

NM_005085.4(NUP214):c.515G>A (p.Gly172Asp)

Gene: NUP214 (nucleoporin 214; plus strand). Cytogenetic location: 9q34.13.
Variant type: single nucleotide variant.
Coding change: c.515G>A on transcript NM_005085.4 (MANE Select); coding-DNA position 515, G replaced by A.
Protein change: p.Gly172Asp; replaces glycine 172 with aspartic acid.
Molecular consequence: missense variant.
Genome position (GRCh38, 1-based): chr9:131,129,400, G>A. VCF-style: chr9-131129400-G-A. GRCh37 (hg19) VCF-style: chr9-134004787-G-A.
Other names: c.515G>A, p.Gly172Asp (NM_001318324.2); c.515G>A (NM_005085.3); short protein forms G172D.
Identifiers: ClinVar variation 3777071 (VCV003777071.1).

ClinVar aggregate classification (germline): Uncertain significance (1 of 4 stars; one submission).

Conditions:
Encephalopathy, acute, infection-induced, susceptibility to, 9. Identifiers: MedGen C5193089, MONDO:0032742, OMIM 618426.

Submission:

University of Washington Department of Laboratory Medicine, University of Washington
Classification: Uncertain significance for Encephalopathy, acute, infection-induced, susceptibility to, 9. Last evaluated: 2021-07-01. Review status: criteria provided, single submitter. Criteria: ACMG Guidelines, 2015. Collection method: clinical testing. Allele origin: unknown. Affected: yes.
Comment: This variant was absent from large population databases, including the Genome Aggregation Database. The p.Gly172Asp variant occurs in a highly conserved WD40 repeat domain and a different variant in this domain (p.Asp154Gly) has been previously reported in one family with NUP214-related encephalopathy (Shamseldin 2019). In silico tools predict that this variant is deleterious; however, these predictions have not been tested directly. Using ACMG guidelines, this variant was classified as a variant of uncertain significance (ACMG evidence codes used: PM1_supporting, PM2_supporting, PM3_supporting, PP3).